The following is an entry in ClinVar:

ClinVar aggregate classification (germline): Uncertain significance. Review status: criteria provided, multiple submitters, no conflicts (2 of 4 stars). 2 submissions from 2 submitters: Uncertain significance (2). Last evaluated 2025-04-11.

Submissions (2):

Labcorp Genetics (formerly Invitae), Labcorp
Classification: Uncertain significance. Last evaluated: 2025-04-11. Review status: criteria provided, single submitter. Criteria: Invitae Variant Classification Sherloc (09022015). Collection method: clinical testing. Allele origin: germline.
Comment: This sequence change replaces leucine, which is neutral and non-polar, with valine, which is neutral and non-polar, at codon 554 of the WFS1 protein (p.Leu554Val). This variant is not present in population databases (gnomAD no frequency). This variant has not been reported in the literature in individuals affected with WFS1-related conditions. ClinVar contains an entry for this variant (Variation ID: 2663735). Invitae Evidence Modeling of protein sequence and biophysical properties (such as structural, functional, and spatial information, amino acid conservation, physicochemical variation, residue mobility, and thermodynamic stability) indicates that this missense variant is not expected to disrupt WFS1 protein function with a negative predictive value of 95%. In summary, the available evidence is currently insufficient to determine the role of this variant in disease. Therefore, it has been classified as a Variant of Uncertain Significance.

GeneDx
Classification: Uncertain significance. Last evaluated: 2023-03-31. Review status: criteria provided, single submitter. Criteria: GeneDx Variant Classification Process June 2021. Collection method: clinical testing. Allele origin: germline. Affected: yes.
Comment: Not observed at significant frequency in large population cohorts (gnomAD); In silico analysis supports that this missense variant does not alter protein structure/function; Has not been previously published as pathogenic or benign to our knowledge

NM_006005.3(WFS1):c.1660C>G (p.Leu554Val)

Gene: WFS1 (wolframin ER transmembrane glycoprotein; plus strand). Cytogenetic location: 4p16.1.
Variant type: single nucleotide variant.
Coding change: c.1660C>G on transcript NM_006005.3 (MANE Select); coding-DNA position 1660, C replaced by G.
Protein change: p.Leu554Val; replaces leucine 554 with valine.
Molecular consequence: missense variant.
Genome position (GRCh38, 1-based): chr4:6,301,455, C>G. VCF-style: chr4-6301455-C-G. GRCh37 (hg19) VCF-style: chr4-6303182-C-G.
Other names: c.1660C>G, p.Leu554Val (NM_001145853.1); short protein forms L554V.
Identifiers: ClinVar variation 2663735 (VCV002663735.4), dbSNP rs1730907806, ClinGen allele CA356176440.